The following is an entry in ClinVar:

NM_001077653.2(TBX20):c.486C>A (p.Tyr162Ter)

Gene: TBX20 (T-box transcription factor 20; minus strand). Cytogenetic location: 7p14.2.
Variant type: single nucleotide variant.
Coding change: c.486C>A on transcript NM_001077653.2 (MANE Select); coding-DNA position 486, C replaced by A.
Protein change: p.Tyr162Ter; replaces tyrosine 162 with a stop codon.
Molecular consequence: nonsense.
Genome position (GRCh38, 1-based): chr7:35,248,736, G>T on the plus strand (C>A on the coding strand, the complement: TBX20 is on the minus strand). VCF-style: chr7-35248736-G-T. GRCh37 (hg19) VCF-style: chr7-35288348-G-T.
Other names: c.486C>A, p.Tyr162Ter (NM_001166220.1); short protein forms Y162*.
Identifiers: ClinVar variation 2839135 (VCV002839135.3), dbSNP rs1434123349, ClinGen allele CA367264636.

ClinVar aggregate classification (germline): Pathogenic (1 of 4 stars; one submission).

Submission:

Labcorp Genetics (formerly Invitae), Labcorp
Classification: Pathogenic. Last evaluated: 2023-02-20. Review status: criteria provided, single submitter. Criteria: Invitae Variant Classification Sherloc (09022015). Collection method: clinical testing. Allele origin: germline.
Comment: This sequence change creates a premature translational stop signal (p.Tyr162*) in the TBX20 gene. It is expected to result in an absent or disrupted protein product. Loss-of-function variants in TBX20 are known to be pathogenic (PMID: 15901664, 25625280, 26118961, 27510170). This variant is not present in population databases (gnomAD no frequency). This variant has not been reported in the literature in individuals affected with TBX20-related conditions. For these reasons, this variant has been classified as Pathogenic.

Literature cited by the submitters: PubMed 15901664; PubMed 25625280; PubMed 26118961; PubMed 27510170.